The following is an entry in ClinVar:

ClinVar aggregate classification (germline): Uncertain significance (1 of 4 stars; one submission).

Conditions:
Idiopathic Pulmonary Fibrosis. Also called: Idiopathic fibrosing alveolitis, chronic form; idiopathic fibrosing alveolitis. Identifiers: Orphanet 2032, MedGen C1800706, MeSH D054990, MONDO:0800504.
Dyskeratosis congenita, autosomal dominant 2. Identifiers: MedGen C3151443, MONDO:0013521, OMIM 613989.

Submission:

Labcorp Genetics (formerly Invitae), Labcorp
Classification: Uncertain significance for Dyskeratosis congenita, autosomal dominant 2; Idiopathic Pulmonary Fibrosis. Last evaluated: 2023-05-15. Review status: criteria provided, single submitter. Criteria: Invitae Variant Classification Sherloc (09022015). Collection method: clinical testing. Allele origin: germline.
Comment: In summary, the available evidence is currently insufficient to determine the role of this variant in disease. Therefore, it has been classified as a Variant of Uncertain Significance. Advanced modeling of protein sequence and biophysical properties (such as structural, functional, and spatial information, amino acid conservation, physicochemical variation, residue mobility, and thermodynamic stability) has been performed at Invitae for this missense variant, however the output from this modeling did not meet the statistical confidence thresholds required to predict the impact of this variant on TERT protein function. ClinVar contains an entry for this variant (Variation ID: 1718415). This variant has not been reported in the literature in individuals affected with TERT-related conditions. This variant is not present in population databases (gnomAD no frequency). This sequence change replaces proline, which is neutral and non-polar, with arginine, which is basic and polar, at codon 370 of the TERT protein (p.Pro370Arg).

NM_198253.3(TERT):c.1109C>G (p.Pro370Arg)

Gene: TERT (telomerase reverse transcriptase; minus strand). Cytogenetic location: 5p15.33.
Variant type: single nucleotide variant.
Coding change: c.1109C>G on transcript NM_198253.3 (MANE Select); coding-DNA position 1109, C replaced by G.
Protein change: p.Pro370Arg; replaces proline 370 with arginine.
Molecular consequence: missense variant. On other transcripts: non-coding transcript variant (2).
Genome position (GRCh38, 1-based): chr5:1,293,777, G>C on the plus strand (C>G on the coding strand, the complement: TERT is on the minus strand). VCF-style: chr5-1293777-G-C. GRCh37 (hg19) VCF-style: chr5-1293892-G-C.
Other names: c.1109C>G, p.Pro370Arg (NM_001193376.3, NM_003219.1); short protein forms P370R.
Identifiers: ClinVar variation 1718415 (VCV001718415.6), dbSNP rs2478414536, ClinGen allele CA359055545.
Genomic context (GRCh38, chr5:1,293,777, plus strand): 5'-CGCATTTGCCAGTAGCGCTGGGGCAGGCGGGGCAACCTGCGGGGAGTCCCTGGCATCCAG[G>C]GCCTGGAACCCAGAAAGATGGTCTCCACGAGCCTCCGAGCGCCAGTCAGGCTGGGCCTCA-3'
Protein context (NP_937983.2, residues 360-380): LVETIFLGSR[Pro370Arg]WMPGTPRRLP